The following is an entry in ClinVar:

NM_152564.5(VPS13B):c.6046+9G>C

Gene: VPS13B (vacuolar protein sorting 13 homolog B; plus strand). Cytogenetic location: 8q22.2.
Variant type: single nucleotide variant.
Coding change: c.6046+9G>C on transcript NM_152564.5 (MANE Select); 9 bases into the intron after coding-DNA position 6046, G replaced by C.
Molecular consequence: intron variant.
Genome position (GRCh38, 1-based): chr8:99,661,500, G>C. VCF-style: chr8-99661500-G-C. GRCh37 (hg19) VCF-style: chr8-100673728-G-C.
Other names: c.6121+9G>C (NM_017890.5); c.6046+9G>C (NM_152564.4).
Identifiers: ClinVar variation 1616942 (VCV001616942.9), dbSNP rs2129764870, ClinGen allele CA2573143587.

ClinVar aggregate classification (germline): Likely benign. Review status: criteria provided, multiple submitters, no conflicts (2 of 4 stars). 2 submissions from 2 submitters: Likely benign (2). Last evaluated 2026-08-25.

Conditions:
VPS13B-related disorder. Also called: VPS13B-related condition.
Cohen syndrome (COH1). Also called: PEPPER SYNDROME; Cutis verticis gyrata, retinitis pigmentosa, and sensorineural deafness. Identifiers: Orphanet 193, MedGen C0265223, MONDO:0008999, OMIM 216550.

gnomAD v4.1: 1 of 1,611,882 alleles (0.000062%); highest among the groups gnomAD compares: South Asian, 0.0011%; no homozygotes.

Submissions (2):

PreventionGenetics, part of Exact Sciences
Classification: Likely benign for VPS13B-related condition. Last evaluated: 2026-08-25. Review status: criteria provided, single submitter. Criteria: ACMG Guidelines, 2015. Collection method: clinical testing. Allele origin: germline.
Comment: This variant is classified as likely benign based on ACMG/AMP sequence variant interpretation guidelines (Richards et al. 2015 PMID: 25741868, with internal and published modifications).

Labcorp Genetics (formerly Invitae), Labcorp
Classification: Likely benign for Cohen syndrome. Last evaluated: 2023-07-13. Review status: criteria provided, single submitter. Criteria: Invitae Variant Classification Sherloc (09022015). Collection method: clinical testing. Allele origin: germline.